The following is an entry in ClinVar:

ClinVar aggregate classification (germline): Uncertain significance (1 of 4 stars; one submission).

Submission:

Ambry Genetics
Classification: Uncertain significance. Last evaluated: 2026-08-23. Review status: criteria provided, single submitter. Criteria: Ambry Variant Classification Scheme 2023. Collection method: clinical testing. Allele origin: germline.
Comment: The p.R376K variant (also known as c.1127G>A), located in coding exon 8 of the ATRIP gene, results from a G to A substitution at nucleotide position 1127. The arginine at codon 376 is replaced by lysine, an amino acid with highly similar properties. This amino acid position is conserved. In addition, this alteration is predicted to be tolerated by in silico analysis. Based on the available evidence, the clinical significance of this variant remains unclear.

NM_130384.3(ATRIP):c.1127G>A (p.Arg376Lys)

Genes: ATRIP (ATR interacting protein; plus strand), ATRIP-TREX1 (ATRIP-TREX1 readthrough; plus strand). Cytogenetic location: 3p21.31.
Variant type: single nucleotide variant.
Coding change: c.1127G>A on transcript NM_130384.3 (MANE Select); coding-DNA position 1127, G replaced by A.
Protein change: p.Arg376Lys; replaces arginine 376 with lysine.
Molecular consequence: missense variant. On other transcripts: non-coding transcript variant (1).
Genome position (GRCh38, 1-based): chr3:48,460,181, G>A. VCF-style: chr3-48460181-G-A. GRCh37 (hg19) VCF-style: chr3-48501580-G-A.
Other names: c.746G>A, p.Arg249Lys (NM_001271022.2); c.848G>A, p.Arg283Lys (NM_001271023.2); c.1127G>A, p.Arg376Lys (NM_032166.4); short protein forms R249K, R283K, R376K.
Identifiers: ClinVar variation 5032466 (VCV005032466.1).